The following is an entry in ClinVar:

NM_177438.3(DICER1):c.1254T>G (p.Asp418Glu)

Gene: DICER1 (dicer 1, ribonuclease III; minus strand). Cytogenetic location: 14q32.13.
Variant type: single nucleotide variant.
Coding change: c.1254T>G on transcript NM_177438.3 (MANE Select); coding-DNA position 1254, T replaced by G.
Protein change: p.Asp418Glu; replaces aspartic acid 418 with glutamic acid.
Molecular consequence: missense variant. On other transcripts: 5 prime UTR variant (1), non-coding transcript variant (6).
Genome position (GRCh38, 1-based): chr14:95,124,318, A>C on the plus strand (T>G on the coding strand, the complement: DICER1 is on the minus strand). VCF-style: chr14-95124318-A-C. GRCh37 (hg19) VCF-style: chr14-95590655-A-C.
Other names: c.1254T>G, p.Asp418Glu (NM_001195573.1, NM_001271282.3, NM_001291628.2 and 15 more transcripts); c.972T>G, p.Asp324Glu (NM_001395686.1); c.849T>G, p.Asp283Glu (NM_001395687.1, NM_001395688.1, NM_001395689.1 and 3 more transcripts); c.687T>G, p.Asp229Glu (NM_001395691.1); c.-315T>G (NM_001395697.1); short protein forms D229E, D418E, D283E, D324E.
Identifiers: ClinVar variation 2586385 (VCV002586385.2), dbSNP rs988056610, ClinGen allele CA390886480.

ClinVar aggregate classification (germline): Uncertain significance (1 of 4 stars; one submission).

Conditions:
Hereditary cancer-predisposing syndrome. Also called: Hereditary neoplastic syndrome; Tumor predisposition; Hereditary Cancer Syndrome; Neoplastic Syndromes, Hereditary. Identifiers: Orphanet 140162, MedGen C0027672, MeSH D009386, MONDO:0015356.

Submission:

Ambry Genetics
Classification: Uncertain significance for Hereditary cancer-predisposing syndrome. Last evaluated: 2023-06-29. Review status: criteria provided, single submitter. Criteria: Ambry Variant Classification Scheme 2023. Collection method: clinical testing. Allele origin: germline.
Comment: The p.D418E variant (also known as c.1254T>G), located in coding exon 7 of the DICER1 gene, results from a T to G substitution at nucleotide position 1254. The aspartic acid at codon 418 is replaced by glutamic acid, an amino acid with highly similar properties. This amino acid position is conserved. In addition, this alteration is predicted to be tolerated by in silico analysis. Since supporting evidence is limited at this time, the clinical significance of this alteration remains unclear.